The following is an entry in ClinVar:

NM_003000.3(SDHB):c.150C>G (p.Asp50Glu)

Gene: SDHB (succinate dehydrogenase complex iron sulfur subunit B; minus strand). Cytogenetic location: 1p36.13.
Variant type: single nucleotide variant.
Coding change: c.150C>G on transcript NM_003000.3 (MANE Select); coding-DNA position 150, C replaced by G.
Protein change: p.Asp50Glu; replaces aspartic acid 50 with glutamic acid.
Molecular consequence: missense variant.
Genome position (GRCh38, 1-based): chr1:17,044,811, G>C on the plus strand (C>G on the coding strand, the complement: SDHB is on the minus strand). VCF-style: chr1-17044811-G-C. GRCh37 (hg19) VCF-style: chr1-17371306-G-C.
Other names: short protein forms D50E.
Identifiers: ClinVar variation 839546 (VCV000839546.8), dbSNP rs1570958024, ClinGen allele CA338227985.

ClinVar aggregate classification (germline): Uncertain significance. Review status: criteria provided, multiple submitters, no conflicts (2 of 4 stars). 2 submissions from 2 submitters: Uncertain significance (2). Last evaluated 2024-03-18.

Conditions:
Hereditary cancer-predisposing syndrome. Also called: Neoplastic Syndromes, Hereditary; Tumor predisposition; Hereditary Cancer Syndrome; Hereditary neoplastic syndrome. Identifiers: Orphanet 140162, MedGen C0027672, MeSH D009386, MONDO:0015356.
Pheochromocytoma/paraganglioma syndrome 4. Also called: CAROTID BODY TUMORS AND MULTIPLE EXTRAADRENAL PHEOCHROMOCYTOMAS; SDHB-Related Hereditary Paraganglioma-Pheochromocytoma Syndrome (Paragangliomas 4); SDHB-Related Hereditary Paraganglioma-Pheochromocytoma Syndrome; PARAGANGLIOMA, FAMILIAL MALIGNANT; PARAGANGLIOMAS, HEREDITARY EXTRAADRENAL; PHEOCHROMOCYTOMA, FAMILIAL EXTRAADRENAL. Identifiers: Orphanet 29072, MedGen C1861848, MONDO:0007273, OMIM 115310.
Gastrointestinal stromal tumor. Also called: Gastrointestinal stromal tumor, somatic; Gastrointestinal stroma tumor. Identifiers: Orphanet 44890, MedGen C0238198, MeSH D046152, MONDO:0011719, OMIM 606764, HP:0100723.
Pheochromocytoma. Also called: MAX-Related Hereditary Paraganglioma-Pheochromocytoma Syndrome. Identifiers: Orphanet 29072, MedGen C0031511, MONDO:0008233, OMIM 171300, HP:0002666.

Allele frequency attached by ClinVar (database versions not stated): gnomAD exomes below 0.00001.
gnomAD v4.1: 7 of 1,614,104 alleles (0.00043%); highest among the groups gnomAD compares: Non-Finnish European, 0.00059%; no homozygotes.

Submissions (2):

Ambry Genetics
Classification: Uncertain significance for Hereditary cancer-predisposing syndrome. Last evaluated: 2024-03-18. Review status: criteria provided, single submitter. Criteria: Ambry Variant Classification Scheme 2023. Collection method: clinical testing. Allele origin: germline.
Comment: The p.D50E variant (also known as c.150C>G), located in coding exon 2 of the SDHB gene, results from a C to G substitution at nucleotide position 150. The aspartic acid at codon 50 is replaced by glutamic acid, an amino acid with highly similar properties. This amino acid position is conserved. In addition, the in silico prediction for this alteration is inconclusive. Based on the available evidence, the clinical significance of this alteration remains unclear.

Labcorp Genetics (formerly Invitae), Labcorp
Classification: Uncertain significance for Gastrointestinal stromal tumor; Pheochromocytoma/paraganglioma syndrome 4; Pheochromocytoma. Last evaluated: 2021-04-04. Review status: criteria provided, single submitter. Criteria: Invitae Variant Classification Sherloc (09022015). Collection method: clinical testing. Allele origin: germline.
Comment: Algorithms developed to predict the effect of missense changes on protein structure and function (SIFT, PolyPhen-2, Align-GVGD) all suggest that this variant is likely to be tolerated, but these predictions have not been confirmed by published functional studies and their clinical significance is uncertain. This variant has not been reported in the literature in individuals with SDHB-related conditions. This variant is not present in population databases (ExAC no frequency). This sequence change replaces aspartic acid with glutamic acid at codon 50 of the SDHB protein (p.Asp50Glu). The aspartic acid residue is highly conserved and there is a small physicochemical difference between aspartic acid and glutamic acid. In summary, the available evidence is currently insufficient to determine the role of this variant in disease. Therefore, it has been classified as a Variant of Uncertain Significance.